The following is an entry in ClinVar:

ClinVar aggregate classification (germline): Uncertain significance. Review status: criteria provided, multiple submitters, no conflicts (2 of 4 stars). 2 submissions from 2 submitters: Uncertain significance (2). Last evaluated 2024-01-31.

Conditions:
Familial hypocalciuric hypercalcemia (FHH). Also called: Familial benign hypercalcemia. Identifiers: Orphanet 405, MedGen C1809471, MONDO:0018458.
Autosomal dominant hypocalcemia 1 (HYPOC1). Also called: HYPOCALCEMIA, FAMILIAL. Identifiers: MedGen C3715128, MONDO:0011013, OMIM 601198.
Nephrolithiasis/nephrocalcinosis. Identifiers: MedGen CN580796.

Allele frequency attached by ClinVar (database versions not stated): gnomAD exomes 0.00001.
gnomAD v4.1: 18 of 1,613,294 alleles (0.0011%); highest among the groups gnomAD compares: Non-Finnish European, 0.0014%; no homozygotes.

Submissions (2):

Labcorp Genetics (formerly Invitae), Labcorp
Classification: Uncertain significance for Familial hypocalciuric hypercalcemia; Autosomal dominant hypocalcemia 1. Last evaluated: 2024-01-31. Review status: criteria provided, single submitter. Criteria: Invitae Variant Classification Sherloc (09022015). Collection method: clinical testing. Allele origin: germline.
Comment: This sequence change replaces asparagine, which is neutral and polar, with serine, which is neutral and polar, at codon 855 of the CASR protein (p.Asn855Ser). This variant is not present in population databases (gnomAD no frequency). This variant has not been reported in the literature in individuals affected with CASR-related conditions. ClinVar contains an entry for this variant (Variation ID: 945017). An algorithm developed to predict the effect of missense changes on protein structure and function (PolyPhen-2) suggests that this variant is likely to be disruptive. In summary, the available evidence is currently insufficient to determine the role of this variant in disease. Therefore, it has been classified as a Variant of Uncertain Significance.

Ambry Genetics
Classification: Uncertain significance for Nephrolithiasis/nephrocalcinosis. Last evaluated: 2022-02-08. Review status: criteria provided, single submitter. Criteria: Ambry Variant Classification Scheme 2023. Collection method: clinical testing. Allele origin: germline.
Comment: The p.N855S variant (also known as c.2564A>G), located in coding exon 6 of the CASR gene, results from an A to G substitution at nucleotide position 2564. The asparagine at codon 855 is replaced by serine, an amino acid with highly similar properties. This amino acid position is conserved. In addition, the in silico prediction for this alteration is inconclusive. Since supporting evidence is limited at this time, the clinical significance of this alteration remains unclear.

NM_000388.4(CASR):c.2564A>G (p.Asn855Ser)

Gene: CASR (calcium sensing receptor; plus strand). Cytogenetic location: 3q21.1.
Variant type: single nucleotide variant.
Coding change: c.2564A>G on transcript NM_000388.4 (MANE Select); coding-DNA position 2564, A replaced by G.
Protein change: p.Asn855Ser; replaces asparagine 855 with serine.
Molecular consequence: missense variant.
Genome position (GRCh38, 1-based): chr3:122,284,518, A>G. VCF-style: chr3-122284518-A-G. GRCh37 (hg19) VCF-style: chr3-122003365-A-G.
Other names: c.2594A>G, p.Asn865Ser (NM_001178065.2); short protein forms N855S, N865S.
Identifiers: ClinVar variation 945017 (VCV000945017.12), dbSNP rs2074940832, ClinGen allele CA354160298.